The following is an entry in ClinVar:

NM_001457.4(FLNB):c.4289G>A (p.Gly1430Glu)

Gene: FLNB (filamin B; plus strand). Cytogenetic location: 3p14.3.
Variant type: single nucleotide variant.
Coding change: c.4289G>A on transcript NM_001457.4 (MANE Select); coding-DNA position 4289, G replaced by A.
Protein change: p.Gly1430Glu; replaces glycine 1430 with glutamic acid.
Molecular consequence: missense variant.
Genome position (GRCh38, 1-based): chr3:58,130,807, G>A. VCF-style: chr3-58130807-G-A. GRCh37 (hg19) VCF-style: chr3-58116534-G-A.
Other names: c.4289G>A, p.Gly1430Glu (NM_001164317.2, NM_001164318.2, NM_001164319.2); short protein forms G1430E.
Identifiers: ClinVar variation 3336386 (VCV003336386.1).
Genomic context (GRCh38, chr3:58,130,807, plus strand): 5'-CCTTCAGGGTTCCTGTGAAGGATGTTGTGGACCCCAGCAAGGTCAAGATTGCCGGCCCCG[G>A]GCTGGGCTCAGGCGTCCGAGCCCGTGTCCTGCAGTCCTTCACGGTGGACAGCAGCAAGGC-3'
Protein context (NP_001448.2, residues 1420-1440): DPSKVKIAGP[Gly1430Glu]LGSGVRARVL

ClinVar aggregate classification (germline): Uncertain significance (1 of 4 stars; one submission).

gnomAD v4.1: 1 of 1,613,952 alleles (0.000062%); highest among the groups gnomAD compares: Non-Finnish European, 0.000085%; no homozygotes.

Submission:

Women's Health and Genetics/Laboratory Corporation of America, LabCorp
Classification: Uncertain significance. Last evaluated: 2024-05-24. Review status: criteria provided, single submitter. Criteria: LabCorp Variant Classification Summary - May 2015. Collection method: clinical testing. Allele origin: germline.
Comment: Variant summary: FLNB c.4289G>A (p.Gly1430Glu) results in a non-conservative amino acid change in the encoded protein sequence. Five of five in-silico tools predict a damaging effect of the variant on protein function. The variant was absent in 250142 control chromosomes. The available data on variant occurrences in the general population are insufficient to allow any conclusion about variant significance. To our knowledge, no occurrence of c.4289G>A in individuals affected with Larsen Syndrome and no experimental evidence demonstrating its impact on protein function have been reported. No submitters have cited clinical-significance assessments for this variant to ClinVar. Based on the evidence outlined above, the variant was classified as uncertain significance.